The following is an entry in ClinVar:

ClinVar aggregate classification (germline): Benign. Review status: criteria provided, multiple submitters, no conflicts (2 of 4 stars). 13 submissions from 13 submitters: Benign (11). 2 of the submissions do not count toward it. Last evaluated 2026-02-04.

Conditions:
Distal myopathy with posterior leg and anterior hand involvement. Also called: WILLIAMS DISTAL MYOPATHY. Identifiers: Orphanet 63273, MedGen C3279722, MONDO:0013550, OMIM 614065.
Myofibrillar myopathy 5. Also called: Filaminopathy (type); FILAMINOPATHY, AUTOSOMAL DOMINANT. Identifiers: Orphanet 171445, MedGen C1836050, MONDO:0012289, OMIM 609524.
Hypertrophic cardiomyopathy 26. Also called: Cardiomyopathy, familial hypertrophic, 26. Identifiers: Orphanet 75249, MedGen C4310749, MONDO:0014883, OMIM 617047.
Cardiovascular phenotype. Identifiers: MedGen CN230736.

Allele frequency attached by ClinVar (database versions not stated): gnomAD exomes 0.06693 and 0.11736; ExAC 0.12296; ESP Exome Variant Server 0.14911; gnomAD 0.15729; TOPMed 0.17230; 1000 Genomes Project 0.25879; 1000 Genomes Project 30x 0.25921.
gnomAD v4.1: 122,472 of 1,612,590 alleles (7.6%); highest among the groups gnomAD compares: African/African-American, 38%; 11,535 homozygotes.

Submissions (13):

Labcorp Genetics (formerly Invitae), Labcorp
Classification: Benign for Distal myopathy with posterior leg and anterior hand involvement; Myofibrillar myopathy 5; Hypertrophic cardiomyopathy 26. Last evaluated: 2026-02-04. Review status: criteria provided, single submitter. Criteria: Invitae Variant Classification Sherloc (09022015). Collection method: clinical testing. Allele origin: germline.

Molecular Diagnostic Laboratory for Inherited Cardiovascular Disease, Montreal Heart Institute
Classification: Benign. Last evaluated: 2025-04-09. Review status: criteria provided, single submitter. Criteria: ACMG Guidelines, 2015. Collection method: clinical testing. Allele origin: germline. Affected: no.

Women's Health and Genetics/Laboratory Corporation of America, LabCorp
Classification: Benign. Last evaluated: 2023-04-10. Review status: criteria provided, single submitter. Criteria: LabCorp Variant Classification Summary - May 2015. Collection method: clinical testing. Allele origin: germline.

Mayo Clinic Laboratories, Mayo Clinic
Classification: Benign. Last evaluated: 2022-04-26. Review status: criteria provided, single submitter. Criteria: ACMG Guidelines, 2015. Collection method: clinical testing. Allele origin: germline. Observed: 310 variant alleles.

Ambry Genetics
Classification: Benign for Cardiovascular phenotype. Last evaluated: 2018-12-24. Review status: criteria provided, single submitter. Criteria: Ambry Variant Classification Scheme 2023. Collection method: clinical testing. Allele origin: germline.

Athena Diagnostics
Classification: Benign. Last evaluated: 2017-12-13. Review status: criteria provided, single submitter. Criteria: Athena Diagnostics Criteria. Collection method: clinical testing. Allele origin: germline.

GeneDx
Classification: Benign. Last evaluated: 2016-02-12. Review status: criteria provided, single submitter. Criteria: GeneDx Variant Classification (06012015). Collection method: clinical testing. Allele origin: germline. Affected: yes.
Comment: This variant is considered likely benign or benign based on one or more of the following criteria: it is a conservative change, it occurs at a poorly conserved position in the protein, it is predicted to be benign by multiple in silico algorithms, and/or has population frequency not consistent with disease.

Laboratory for Molecular Medicine, Mass General Brigham Personalized Medicine
Classification: Benign. Last evaluated: 2015-01-13. Review status: criteria provided, single submitter. Criteria: LMM Criteria. Collection method: clinical testing. Allele origin: germline. Observed: 4 variant alleles.
Comment: p.Asp2407Asp in exon 43 of FLNC: This variant is not expected to have clinical s ignificance because it does not alter an amino acid residue and is not located w ithin the splice consensus sequence. It has been identified in 35.8% (1551/4334) of African American chromosomes from a broad population by the NHLBI Exome Sequ encing Project (dbSNP rs3816885).

Genetic Services Laboratory, University of Chicago
Classification: Benign for AllHighlyPenetrant. Last evaluated: 2013-08-15. Review status: criteria provided, single submitter. Criteria: ACMG Guidelines, 2007. Collection method: clinical testing. Allele origin: germline. Inheritance: Autosomal dominant inheritance.

Breakthrough Genomics
Classification: Benign. Review status: criteria provided, single submitter. Criteria: ACMG Guidelines, 2015. Collection method: not provided. Allele origin: germline. Inheritance: Autosomal dominant inheritance. Affected: yes.

PreventionGenetics, part of Exact Sciences
Classification: Benign. Review status: criteria provided, single submitter. Criteria: ACMG Guidelines, 2015. Collection method: clinical testing. Allele origin: germline.

Clinical Genetics, Academic Medical Center
Classification: Benign. Review status: no assertion criteria provided. Collection method: clinical testing. Allele origin: germline. Affected: yes. Study: VKGL Data-share Consensus. Not counted in ClinVar's aggregate classification.

Joint Genome Diagnostic Labs from Nijmegen and Maastricht, Radboudumc and MUMC+
Classification: Benign. Review status: no assertion criteria provided. Collection method: clinical testing. Allele origin: germline. Affected: yes. Study: VKGL Data-share Consensus. Not counted in ClinVar's aggregate classification.

NM_001458.5(FLNC):c.7221C>T (p.Asp2407=)

Genes: FLNC (filamin C; plus strand), FLNC-AS1 (FLNC antisense RNA 1; minus strand). Cytogenetic location: 7q32.1.
Variant type: single nucleotide variant.
Coding change: c.7221C>T on transcript NM_001458.5 (MANE Select); coding-DNA position 7221, C replaced by T.
Protein change: p.Asp2407=; no amino-acid change (aspartic acid 2407 retained).
Molecular consequence: synonymous variant.
Genome position (GRCh38, 1-based): chr7:128,855,284, C>T. VCF-style: chr7-128855284-C-T. GRCh37 (hg19) VCF-style: chr7-128495338-C-T.
Other names: p.Asp2407=; c.7122C>T, p.Asp2374= (NM_001127487.2).
Identifiers: ClinVar variation 129097 (VCV000129097.28), dbSNP rs3816885, ClinGen allele CA152880.